The following is an entry in ClinVar:

ClinVar aggregate classification (germline): Likely pathogenic. Review status: criteria provided, multiple submitters, no conflicts (2 of 4 stars). 4 submissions from 4 submitters: Likely pathogenic (4). Last evaluated 2025-11-19.

Conditions:
Primary familial dilated cardiomyopathy (FDC). Also called: Hypokinetic dilated cardiomyopathy, familial; Familial dilated cardiomyopathy. Identifiers: Orphanet 217607, MedGen C0340427, MONDO:0016333.
Dilated cardiomyopathy 1G (CMD1G). Identifiers: Orphanet 154, MedGen C1858763, MONDO:0011400, OMIM 604145.
Autosomal recessive limb-girdle muscular dystrophy type 2J (LGMDR10). Also called: Limb-girdle muscular dystrophy, type 2J; MUSCULAR DYSTROPHY, LIMB-GIRDLE, AUTOSOMAL RECESSIVE 10. Identifiers: Orphanet 140922, MedGen C1837342, MONDO:0012127, OMIM 608807.
Cardiovascular phenotype. Identifiers: MedGen CN230736.
Primary dilated cardiomyopathy (DCM). Also called: Dilated Cardiomyopathy. Identifiers: Orphanet 217604, MedGen C0007193, MeSH D002311, MONDO:0005021, HP:0001644. Inheritance: Various modes of inheritance.

Submissions (4):

Ambry Genetics
Classification: Likely pathogenic for Cardiovascular phenotype. Last evaluated: 2025-11-19. Review status: criteria provided, single submitter. Criteria: Ambry Variant Classification Scheme 2023. Collection method: clinical testing. Allele origin: germline.
Comment: The c.69675_69676delGA variant, located in coding exon 174 of the TTN gene, results from a deletion of two nucleotides at nucleotide positions 69675 to 69676, causing a translational frameshift with a predicted alternate stop codon (p.E23225Dfs*56). This exon is located in the A-band region of the N2-B isoform of the titin protein and is constitutively expressed in TTN transcripts (percent spliced in or PSI 100%). This variant was reported in individual(s) with features consistent with dilated cardiomyopathy (DCM) (Stava TT et al. Eur J Prev Cardiol, 2022 Oct;29:1789-1799). Note, this variant is also referred to as c.96870_96871delGA (p.E32290Dfs*56) in the literature. This variant is expected to result in loss of function by premature protein truncation or nonsense-mediated mRNA decay. While truncating variants in TTN are present in 1-3% of the general population, truncating variants in the A-band are the most common cause of dilated cardiomyopathy (Herman DS et al. N. Engl. J. Med., 2012 Feb;366:619-28; Roberts AM et al. Sci Transl Med, 2015 Jan;7:270ra6). TTN truncating variants encoded in constitutive exons (PSI >90%) have been found to be significantly associated with DCM regardless of their position in titin (Schafer S et al. Nat. Genet., 2017 01;49:46-53; Akhtar MM et al. Circ Heart Fail, 2020 Oct;13:e006832; Massier M et al. Clin Genet, 2025 Jan). This variant is considered to be rare based on population cohorts in the Genome Aggregation Database (gnomAD). Based on the majority of available evidence to date, this variant is likely to be pathogenic.

Women's Health and Genetics/Laboratory Corporation of America, LabCorp
Classification: Likely pathogenic for Primary familial dilated cardiomyopathy. Last evaluated: 2024-11-18. Review status: criteria provided, single submitter. Criteria: LabCorp Variant Classification Summary - May 2015. Collection method: clinical testing. Allele origin: germline.
Comment: Variant summary: TTN NM_133378:c.89166_89167delGA (p.Glu29722AspfsX56), also reported as NM_001267550:c.96870_96871delGA (p.Glu32290AspfsX56), results in a premature termination codon, predicted to cause a truncation of the encoded protein or absence of the protein due to nonsense mediated decay, which are commonly known mechanisms for disease. Loss of function variants in all TTN bands are strongly associated with a spectrum of autosomal recessive titinopathies when exon expression (proportion spliced in, PSI, 1=complete expression) in skeletal muscle is >0.1 (PMID: 36977548, 39198997, 29598826, 32778822, 29691892, 33449170, 36977548, internal data). In contrast, loss of function variants in all TTN bands are only strongly associated with autosomal dominant TTN-related cardiomyopathies if located in exons constitutively expressed (PSI >0.9) in cardiac muscle, excluding extreme C-terminal exons 359-363 (PMID: 25589632, 31216868, 32964742, 34662387, 27869827, Shetty et al., Nat Cardiovasc Res 2024,, internal data). This variant has a maximum skeletal muscle PSI of 0.943 and a maximum cardiac muscle PSI of 1.000.The variant was absent in 246552 control chromosomes. c.89166_89167delGA has been reported in the literature in individuals affected with Dilated Cardiomyopathy (example, Stava_2022). These report(s) do not provide unequivocal conclusions about association of the variant with Dilated Cardiomyopathy. To our knowledge, no experimental evidence demonstrating an impact on protein function has been reported. The following publication has been ascertained in the context of this evaluation (PMID: 35653365). ClinVar contains an entry for this variant (Variation ID: 838221). Based on the evidence outlined above, the variant was classified as likely pathogenic for both autosomal dominant and autosomal recessive TTN-related conditions.

Lildballe Lab, Aarhus University Hospital
Classification: Likely pathogenic for dilated cardiomyopathy. Last evaluated: 2024-03-01. Review status: criteria provided, single submitter. Criteria: ACMG Guidelines, 2015. Collection method: research. Allele origin: germline. Affected: yes.
Comment: PVS1(vs), PM2(sup)

Labcorp Genetics (formerly Invitae), Labcorp
Classification: Likely pathogenic for Dilated cardiomyopathy 1G; Limb-girdle muscular dystrophy, type 2J. Last evaluated: 2019-04-24. Review status: criteria provided, single submitter. Criteria: Invitae Variant Classification Sherloc (09022015). Collection method: clinical testing. Allele origin: germline.
Comment: This sequence change results in a premature translational stop signal in the TTN gene (p.Glu32290Aspfs*56). While this is not anticipated to result in nonsense mediated decay, it is expected to create a truncated TTN protein. This variant is not present in population databases (ExAC no frequency). This variant has not been reported in the literature in individuals with TTN-related conditions. This variant is located in the A band of TTN (PMID: 25589632). Truncating variants in this region are significantly overrepresented in patients affected with dilated cardiomyopathy (PMID: 25589632). Truncating variants in this region have also been reported in individuals affected with autosomal recessive centronuclear myopathy (PMID: 23975875). In summary, the currently available evidence indicates that the variant is pathogenic, but additional data are needed to prove that conclusively. Therefore, this variant has been classified as Likely Pathogenic.

Literature cited by the submitters: PubMed 35653365 (cited by Ambry Genetics and Women's Health and Genetics/Laboratory Corporation of America, LabCorp); PubMed 25741954 (cited by Lildballe Lab, Aarhus University Hospital); PubMed 39481677 (cited by Lildballe Lab, Aarhus University Hospital); PubMed 23975875 (cited by Labcorp Genetics (formerly Invitae), Labcorp); PubMed 25589632 (cited by Labcorp Genetics (formerly Invitae), Labcorp).

NM_001267550.2(TTN):c.96870_96871del (p.Glu32290fs)

Genes: TTN (titin; minus strand), TTN-AS1 (TTN antisense RNA 1; plus strand), LOC126806421 (CDK7 strongly-dependent group 2 enhancer GRCh37_chr2:179407630-179408829; plus strand). Cytogenetic location: 2q31.2.
Variant type: Microsatellite.
Coding change: c.96870_96871del on transcript NM_001267550.2 (MANE Select); coding-DNA positions 96870 to 96871, 2 bases deleted (GA; older notation c.96870_96871delGA).
Protein change: p.Glu32290fs; shifts the reading frame from glutamic acid 32290.
Molecular consequence: frameshift variant.
Genome position (GRCh38, 1-based): chr2:178,543,102-178,543,103, TC deleted on the plus strand (GA on the coding strand, the reverse complement: TTN is on the minus strand); deleting any 2 consecutive bases within chr2:178,543,102-178,543,108 gives the same sequence; the c. name uses the placement nearest the transcript's 3' end. VCF-style (leftmost placement, unchanged base first): chr2-178543101-GTC-G. GRCh37 (hg19) VCF-style: chr2-179407828-GTC-G.
Other names: c.69675_69676delGA (NM_003319.4); c.91947_91948del, p.Glu30649fs (NM_001256850.1); c.69675_69676del, p.Glu23225fs (NM_003319.4); c.89166_89167del, p.Glu29722fs (NM_133378.4); c.70050_70051del, p.Glu23350fs (NM_133432.3); c.70251_70252del, p.Glu23417fs (NM_133437.4); c.89166_89167delGA (NM_133378.4); short protein forms E29722fs, E30649fs, E32290fs, E23417fs, E23350fs, E23225fs.
Identifiers: ClinVar variation 838221 (VCV000838221.4), dbSNP rs1695435412, ClinGen allele CA916081346.